The following is an entry in ClinVar:

ClinVar aggregate classification (germline): Uncertain significance (1 of 4 stars; one submission).

Conditions:
Hereditary cancer-predisposing syndrome. Also called: Tumor predisposition; Hereditary Cancer Syndrome; Neoplastic Syndromes, Hereditary; Hereditary neoplastic syndrome. Identifiers: Orphanet 140162, MedGen C0027672, MeSH D009386, MONDO:0015356.

Submission:

Color Diagnostics, LLC DBA Color Health
Classification: Uncertain significance for Hereditary cancer-predisposing syndrome. Last evaluated: 2025-09-10. Review status: criteria provided, single submitter. Criteria: ACMG Guidelines, 2015. Collection method: clinical testing. Allele origin: germline.
Comment: This missense variant replaces arginine with glycine at codon 1005 of the MSH6 protein. Computational prediction suggests that this variant may have deleterious impact on protein structure and function. To our knowledge, functional studies have not been reported for this variant. This variant has not been reported in individuals affected with MSH6-related disorders in the literature. This variant has not been identified in the general population by the Genome Aggregation Database (gnomAD). The available evidence is insufficient to determine the role of this variant in disease conclusively. Therefore, this variant is classified as a Variant of Uncertain Significance.

NM_000179.3(MSH6):c.3013C>G (p.Arg1005Gly)

Gene: MSH6 (mutS homolog 6; plus strand). Cytogenetic location: 2p16.3.
Variant type: single nucleotide variant.
Coding change: c.3013C>G on transcript NM_000179.3 (MANE Select); coding-DNA position 3013, C replaced by G.
Protein change: p.Arg1005Gly; replaces arginine 1005 with glycine.
Molecular consequence: missense variant. On other transcripts: non-coding transcript variant (5), intron variant (2).
Genome position (GRCh38, 1-based): chr2:47,800,996, C>G. VCF-style: chr2-47800996-C-G. GRCh37 (hg19) VCF-style: chr2-48028135-C-G.
Other names: c.3109C>G, p.Arg1037Gly (NM_001406795.1, NM_001406802.1); c.3013C>G, p.Arg1005Gly (NM_001406796.1, NM_001406798.1, NM_001406800.1 and 2 more transcripts); c.2716C>G, p.Arg906Gly (NM_001406797.1, NM_001406801.1, NM_001406805.1 and 10 more transcripts); c.2488C>G, p.Arg830Gly (NM_001406799.1, NM_001406807.1, NM_001406806.1); c.2935C>G, p.Arg979Gly (NM_001406804.1); c.2107C>G, p.Arg703Gly (NM_001406811.1, NM_001406812.1, NM_001406829.1 and 6 more transcripts); c.3019C>G, p.Arg1007Gly (NM_001406813.1); c.958C>G, p.Arg320Gly (NM_001407362.1); and 4 more; short protein forms R1005G, R1007G, R1037G, R320G, R703G, R830G, R875G, R906G.
Identifiers: ClinVar variation 4756598 (VCV004756598.1).
Genomic context (GRCh38, chr2:47,800,996, plus strand): 5'-TTCACCACTCGCAATTTGCCAGAAGAATACGAGTTGAAATCTACCAAGAAGGGCTGTAAA[C>G]GATACTGGACCAAAACTATTGAAAAGAAGTTGGCTAATCTCATAAATGCTGAAGAACGGA-3'
Protein context (NP_000170.1, residues 995-1015): ELKSTKKGCK[Arg1005Gly]YWTKTIEKKL